The following is an entry in ClinVar:

NM_000421.5(KRT10):c.98C>T (p.Ser33Phe)

Genes: KRT10 (keratin 10; minus strand), KRT10-AS1 (KRT10 antisense RNA 1; plus strand). Cytogenetic location: 17q21.2.
Variant type: single nucleotide variant.
Coding change: c.98C>T on transcript NM_000421.5 (MANE Select); coding-DNA position 98, C replaced by T.
Protein change: p.Ser33Phe; replaces serine 33 with phenylalanine.
Molecular consequence: missense variant.
Genome position (GRCh38, 1-based): chr17:40,822,488, G>A on the plus strand (C>T on the coding strand, the complement: KRT10 is on the minus strand). VCF-style: chr17-40822488-G-A. GRCh37 (hg19) VCF-style: chr17-38978740-G-A.
Other names: c.98C>T, p.Ser33Phe (NM_001379366.1); short protein forms S33F.
Identifiers: ClinVar variation 1030782 (VCV001030782.2), dbSNP rs151149062, ClinGen allele CA8548360.

ClinVar aggregate classification (germline): Uncertain significance. Review status: criteria provided, multiple submitters, no conflicts (2 of 4 stars). 2 submissions from 2 submitters: Uncertain significance (2). Last evaluated 2019-12-04.

Conditions:
Epidermolytic ichthyosis. Also called: Epidermolytic Hyperkeratosis; Bullous ichthyosiform erythroderma; KRT10-Related Epidermolytic Hyperkeratosis; Congenital bullous ichthyosiform erythroderma. Identifiers: Orphanet 312, MedGen C0079153, MONDO:0007239, HP:0007475.

Allele frequency attached by ClinVar (database versions not stated): gnomAD 0.00019 and 0.00021; TOPMed 0.00021; gnomAD exomes 0.00027 and 0.00028; ExAC 0.00031; ESP Exome Variant Server 0.00031.
gnomAD v4.1: 440 of 1,613,422 alleles (0.027%); highest among the groups gnomAD compares: Middle Eastern, 0.15%; no homozygotes.

Submissions (2):

Baylor Genetics
Classification: Uncertain significance for Epidermolytic hyperkeratosis 1. Last evaluated: 2019-12-04. Review status: criteria provided, single submitter. Criteria: ACMG Guidelines, 2015. Collection method: clinical testing. Allele origin: unknown. Affected: yes.
Comment: This variant was determined to be of uncertain significance according to ACMG Guidelines, 2015 [PMID:25741868].

Breakthrough Genomics
Classification: Uncertain significance. Review status: criteria provided, single submitter. Criteria: ACMG Guidelines, 2015. Collection method: not provided. Allele origin: germline. Inheritance: Autosomal recessive inheritance. Affected: yes.